The following is an entry in ClinVar:

ClinVar aggregate classification (germline): Benign/Likely benign. Review status: criteria provided, multiple submitters, no conflicts (2 of 4 stars). 3 submissions from 3 submitters: Benign (1); Likely benign (2). Last evaluated 2025-12-22.

Conditions:
Hereditary nonpolyposis colorectal neoplasms. Identifiers: MedGen C0009405, MeSH D003123.
Lynch syndrome 4 (LYNCH4). Also called: Colorectal cancer, hereditary nonpolyposis, type 4; Hereditary non-polyposis colorectal cancer, type 4. Identifiers: Orphanet 144, MedGen C1838333, MONDO:0013699, OMIM 614337. Disease mechanism: loss of function.
Hereditary cancer-predisposing syndrome. Also called: Neoplastic Syndromes, Hereditary; Tumor predisposition; Hereditary neoplastic syndrome; Hereditary Cancer Syndrome. Identifiers: Orphanet 140162, MedGen C0027672, MeSH D009386, MONDO:0015356.

Allele frequency attached by ClinVar (database versions not stated): gnomAD 0.00001; 1000 Genomes Project 30x 0.00016; 1000 Genomes Project 0.00020.
gnomAD v4.1: 1 of 1,613,966 alleles (0.000062%); highest among the groups gnomAD compares: Non-Finnish European, 0.000085%; no homozygotes.

Submissions (3):

Labcorp Genetics (formerly Invitae), Labcorp
Classification: Likely benign for Hereditary nonpolyposis colorectal neoplasms. Last evaluated: 2025-12-22. Review status: criteria provided, single submitter. Criteria: Invitae Variant Classification Sherloc (09022015). Collection method: clinical testing. Allele origin: germline.

Myriad Genetics, Inc.
Classification: Benign for Lynch syndrome 4. Last evaluated: 2025-01-27. Review status: criteria provided, single submitter. Criteria: Myriad Autosomal Dominant, Autosomal Recessive and X-Linked Classification Criteria (2023). Collection method: clinical testing. Allele origin: unknown.
Comment: This variant is considered benign. This variant is a silent/synonymous amino acid change and it is not expected to impact splicing.

Ambry Genetics
Classification: Likely benign for Hereditary cancer-predisposing syndrome. Last evaluated: 2022-11-10. Review status: criteria provided, single submitter. Criteria: Ambry Variant Classification Scheme 2023. Collection method: clinical testing. Allele origin: germline.

NM_000535.7(PMS2):c.561C>G (p.Val187=)

Gene: PMS2 (PMS1 homolog 2, mismatch repair system component; minus strand). Cytogenetic location: 7p22.1.
Variant type: single nucleotide variant.
Coding change: c.561C>G on transcript NM_000535.7 (MANE Select); coding-DNA position 561, C replaced by G.
Protein change: p.Val187=; no amino-acid change (valine 187 retained).
Molecular consequence: synonymous variant. On other transcripts: non-coding transcript variant (1), intron variant (9).
Genome position (GRCh38, 1-based): chr7:5,999,252, G>C on the plus strand (C>G on the coding strand, the complement: PMS2 is on the minus strand). VCF-style: chr7-5999252-G-C. GRCh37 (hg19) VCF-style: chr7-6038883-G-C.
Other names: c.156C>G, p.Val52= (NM_001018040.1, NM_001322003.2, NM_001322004.2 and 22 more transcripts); c.561C>G, p.Val187= (NM_001322006.2, NM_001322014.2, NM_001406869.1 and 5 more transcripts); c.243C>G, p.Val81= (NM_001322007.2, NM_001322008.2, NM_001406876.1 and 4 more transcripts); c.252C>G, p.Val84= (NM_001322015.2, NM_001406875.1, NM_001406877.1 and 6 more transcripts); c.747C>G, p.Val249= (NM_001406866.1); c.585C>G, p.Val195= (NM_001406868.1); c.132+3201C>G (NM_001406911.1); c.133-1829C>G (NM_001322013.2, NM_001406909.1); and 4 more.
Identifiers: ClinVar variation 2451585 (VCV002451585.5), dbSNP rs144233131, ClinGen allele CA153242021.